The following is an entry in ClinVar:

NM_018136.5(ASPM):c.10147A>G (p.Thr3383Ala)

Gene: ASPM (assembly factor for spindle microtubules; minus strand). Cytogenetic location: 1q31.3.
Variant type: single nucleotide variant.
Coding change: c.10147A>G on transcript NM_018136.5 (MANE Select); coding-DNA position 10147, A replaced by G.
Protein change: p.Thr3383Ala; replaces threonine 3383 with alanine.
Molecular consequence: missense variant.
Genome position (GRCh38, 1-based): chr1:197,088,270, T>C on the plus strand (A>G on the coding strand, the complement: ASPM is on the minus strand). VCF-style: chr1-197088270-T-C. GRCh37 (hg19) VCF-style: chr1-197057400-T-C.
Other names: c.5392A>G, p.Thr1798Ala (NM_001206846.2); c.10147A>G (NM_018136.4); short protein forms T3383A, T1798A.
Identifiers: ClinVar variation 1931335 (VCV001931335.6), dbSNP rs1469948491, ClinGen allele CA343997328.

ClinVar aggregate classification (germline): Uncertain significance. Review status: criteria provided, multiple submitters, no conflicts (2 of 4 stars). 2 submissions from 2 submitters: Uncertain significance (2). Last evaluated 2025-08-14.

Conditions:
Inborn genetic diseases. Identifiers: MedGen C0950123, MeSH D030342.

Allele frequency attached by ClinVar (database versions not stated): gnomAD exomes below 0.00001; TOPMed 0.00001.
gnomAD v4.1: 4 of 1,613,222 alleles (0.00025%); highest among the groups gnomAD compares: Admixed American, 0.0033%; no homozygotes.

Submissions (2):

Ambry Genetics
Classification: Uncertain significance for Inborn genetic diseases. Last evaluated: 2025-08-14. Review status: criteria provided, single submitter. Criteria: Ambry Variant Classification Scheme 2023. Collection method: clinical testing. Allele origin: germline.

Labcorp Genetics (formerly Invitae), Labcorp
Classification: Uncertain significance. Last evaluated: 2022-04-30. Review status: criteria provided, single submitter. Criteria: Invitae Variant Classification Sherloc (09022015). Collection method: clinical testing. Allele origin: germline.
Comment: This sequence change replaces threonine, which is neutral and polar, with alanine, which is neutral and non-polar, at codon 3383 of the ASPM protein (p.Thr3383Ala). In summary, the available evidence is currently insufficient to determine the role of this variant in disease. Therefore, it has been classified as a Variant of Uncertain Significance. This variant has not been reported in the literature in individuals affected with ASPM-related conditions. Algorithms developed to predict the effect of missense changes on protein structure and function (SIFT, PolyPhen-2, Align-GVGD) all suggest that this variant is likely to be tolerated. This variant is present in population databases (no rsID available, gnomAD 0.003%).